The following is an entry in ClinVar:

ClinVar aggregate classification (germline): Uncertain significance (1 of 4 stars; one submission).

gnomAD v4.1: 1 of 1,614,088 alleles (0.000062%); highest among the groups gnomAD compares: Non-Finnish European, 0.000085%; no homozygotes.

Submission:

Labcorp Genetics (formerly Invitae), Labcorp
Classification: Uncertain significance. Last evaluated: 2024-03-19. Review status: criteria provided, single submitter. Criteria: Invitae Variant Classification Sherloc (09022015). Collection method: clinical testing. Allele origin: germline.
Comment: This sequence change replaces lysine, which is basic and polar, with arginine, which is basic and polar, at codon 1511 of the MTOR protein (p.Lys1511Arg). This variant is not present in population databases (gnomAD no frequency). This variant has not been reported in the literature in individuals affected with MTOR-related conditions. Advanced modeling of protein sequence and biophysical properties (such as structural, functional, and spatial information, amino acid conservation, physicochemical variation, residue mobility, and thermodynamic stability) performed at Invitae indicates that this missense variant is not expected to disrupt MTOR protein function with a negative predictive value of 95%. In summary, the available evidence is currently insufficient to determine the role of this variant in disease. Therefore, it has been classified as a Variant of Uncertain Significance.

NM_004958.4(MTOR):c.4532A>G (p.Lys1511Arg)

Gene: MTOR (mechanistic target of rapamycin kinase; minus strand). Cytogenetic location: 1p36.22.
Variant type: single nucleotide variant.
Coding change: c.4532A>G on transcript NM_004958.4 (MANE Select); coding-DNA position 4532, A replaced by G.
Protein change: p.Lys1511Arg; replaces lysine 1511 with arginine.
Molecular consequence: missense variant.
Genome position (GRCh38, 1-based): chr1:11,150,164, T>C on the plus strand (A>G on the coding strand, the complement: MTOR is on the minus strand). VCF-style: chr1-11150164-T-C. GRCh37 (hg19) VCF-style: chr1-11210221-T-C.
Other names: c.4532A>G, p.Lys1511Arg (NM_001386500.1); c.3284A>G, p.Lys1095Arg (NM_001386501.1); short protein forms K1095R, K1511R.
Identifiers: ClinVar variation 3633488 (VCV003633488.2).
Genomic context (GRCh38, chr1:11,150,164, plus strand): 5'-GTGCCTGTGAGGGAAGCTTTACCTAAACCCCATGCAGCTGCAGCAGCCATCCGGGCCATC[T>C]TGGCTTGGGTCTCATCATTAACCAGGGTCCACTTTTCACAGCACTGCTGGTGGAGTTGAC-3'
Protein context (NP_004949.1, residues 1501-1521): WTLVNDETQA[Lys1511Arg]MARMAAAAAW